The following is an entry in ClinVar:

ClinVar aggregate classification (germline): Likely pathogenic (1 of 4 stars; one submission).

Submission:

Labcorp Genetics (formerly Invitae), Labcorp
Classification: Likely pathogenic. Last evaluated: 2024-01-20. Review status: criteria provided, single submitter. Criteria: Invitae Variant Classification Sherloc (09022015). Collection method: clinical testing. Allele origin: germline.
Comment: This sequence change affects an acceptor splice site in intron 8 of the CEP152 gene. It is expected to disrupt RNA splicing. Variants that disrupt the donor or acceptor splice site typically lead to a loss of protein function (PMID: 16199547), and loss-of-function variants in CEP152 are known to be pathogenic (PMID: 21131973). This variant is not present in population databases (gnomAD no frequency). This variant has not been reported in the literature in individuals affected with CEP152-related conditions. Algorithms developed to predict the effect of sequence changes on RNA splicing suggest that this variant may disrupt the consensus splice site. In summary, the currently available evidence indicates that the variant is pathogenic, but additional data are needed to prove that conclusively. Therefore, this variant has been classified as Likely Pathogenic.

Literature cited by the submitters: PubMed 16199547; PubMed 21131973.

NM_001194998.2(CEP152):c.973-1G>T

Gene: CEP152 (centrosomal protein 152; minus strand). Cytogenetic location: 15q21.1.
Variant type: single nucleotide variant.
Coding change: c.973-1G>T on transcript NM_001194998.2 (MANE Select); the canonical splice acceptor site of the intron before coding-DNA position 973, G replaced by T.
Molecular consequence: splice acceptor variant.
Genome position (GRCh38, 1-based): chr15:48,789,002, C>A on the plus strand (G>T on the coding strand, the complement: CEP152 is on the minus strand). VCF-style: chr15-48789002-C-A. GRCh37 (hg19) VCF-style: chr15-49081199-C-A.
Other names: c.973-1G>T (NM_014985.4).
Identifiers: ClinVar variation 2710434 (VCV002710434.3), dbSNP rs2504864133, ClinGen allele CA392355826.